The following is an entry in ClinVar:

ClinVar aggregate classification (germline): Likely pathogenic (1 of 4 stars; one submission).

Conditions:
Retinitis pigmentosa 71 (RP71). Identifiers: Orphanet 791, MedGen C4225342, MONDO:0014618, OMIM 616394.
Short-rib thoracic dysplasia 10 with or without polydactyly (SRTD10). Identifiers: Orphanet 474, MedGen C3810175, MONDO:0014284, OMIM 615630.

Submission:

Labcorp Genetics (formerly Invitae), Labcorp
Classification: Likely pathogenic for Retinitis pigmentosa 71; Short-rib thoracic dysplasia 10 with or without polydactyly. Last evaluated: 2022-07-12. Review status: criteria provided, single submitter. Criteria: Invitae Variant Classification Sherloc (09022015). Collection method: clinical testing. Allele origin: germline.
Comment: This sequence change affects a donor splice site in intron 4 of the IFT172 gene. It is expected to disrupt RNA splicing. Variants that disrupt the donor or acceptor splice site typically lead to a loss of protein function (PMID: 16199547), and loss-of-function variants in IFT172 are known to be pathogenic (PMID: 24140113). This variant is not present in population databases (gnomAD no frequency). This variant has not been reported in the literature in individuals affected with IFT172-related conditions. Algorithms developed to predict the effect of sequence changes on RNA splicing suggest that this variant may disrupt the consensus splice site. In summary, the currently available evidence indicates that the variant is pathogenic, but additional data are needed to prove that conclusively. Therefore, this variant has been classified as Likely Pathogenic.

Literature cited by the submitters: PubMed 16199547; PubMed 24140113.

NM_015662.3(IFT172):c.336+2T>G

Gene: IFT172 (intraflagellar transport 172; minus strand). Cytogenetic location: 2p23.3.
Variant type: single nucleotide variant.
Coding change: c.336+2T>G on transcript NM_015662.3 (MANE Select); the canonical splice donor site of the intron after coding-DNA position 336, T replaced by G.
Molecular consequence: splice donor variant.
Genome position (GRCh38, 1-based): chr2:27,484,225, A>C on the plus strand (T>G on the coding strand, the complement: IFT172 is on the minus strand). VCF-style: chr2-27484225-A-C. GRCh37 (hg19) VCF-style: chr2-27707092-A-C.
Other names: c.336+2T>G (NM_001410739.1).
Identifiers: ClinVar variation 2011940 (VCV002011940.4), dbSNP rs2466031050, ClinGen allele CA346401738.